The following is an entry in ClinVar:

ClinVar aggregate classification (germline): Likely benign. Review status: criteria provided, multiple submitters, no conflicts (2 of 4 stars). 6 submissions from 6 submitters: Likely benign (6). Last evaluated 2026-01-01.

Conditions:
KBG syndrome (KBGS). Also called: ANKRD11-Related KBG Syndrome. Identifiers: Orphanet 2332, MedGen C0220687, MONDO:0007846, OMIM 148050.
Inborn genetic diseases. Identifiers: MedGen C0950123, MeSH D030342.

Allele frequency attached by ClinVar (database versions not stated): gnomAD 0.00011 and 0.00010; TOPMed 0.00012; gnomAD exomes 0.00014 and 0.00022; ExAC 0.00015; 1000 Genomes Project 30x 0.00016; 1000 Genomes Project 0.00020; ESP Exome Variant Server 0.00031.
gnomAD v4.1: 355 of 1,613,672 alleles (0.022%); highest among the groups gnomAD compares: Middle Eastern, 0.74%; no homozygotes.

Submissions (6):

CeGaT Center for Human Genetics Tuebingen
Classification: Likely benign. Last evaluated: 2026-01-01. Review status: criteria provided, single submitter. Criteria: CeGaT Center For Human Genetics Tuebingen Variant Classification Criteria Version 2. Collection method: clinical testing. Allele origin: germline. Affected: yes. Observed: 8 variant alleles.
Comment: ANKRD11: BP4, BP7

Labcorp Genetics (formerly Invitae), Labcorp
Classification: Likely benign for KBG syndrome. Last evaluated: 2025-12-26. Review status: criteria provided, single submitter. Criteria: Invitae Variant Classification Sherloc (09022015). Collection method: clinical testing. Allele origin: germline.

Blueprint Genetics
Classification: Likely benign. Last evaluated: 2024-10-22. Review status: criteria provided, single submitter. Criteria: ACMG Guidelines, 2015. Collection method: clinical testing. Allele origin: germline.

GeneDx
Classification: Likely benign. Last evaluated: 2020-09-10. Review status: criteria provided, single submitter. Criteria: GeneDx Variant Classification Process June 2021. Collection method: clinical testing. Allele origin: germline. Affected: yes.

Ambry Genetics
Classification: Likely benign for Inborn genetic diseases. Last evaluated: 2017-03-29. Review status: criteria provided, single submitter. Criteria: Ambry Variant Classification Scheme 2023. Collection method: clinical testing. Allele origin: germline.

Breakthrough Genomics
Classification: Likely benign. Review status: criteria provided, single submitter. Criteria: ACMG Guidelines, 2015. Collection method: not provided. Allele origin: germline. Inheritance: Autosomal dominant inheritance. Affected: yes.

NM_013275.6(ANKRD11):c.1413G>A (p.Lys471=)

Gene: ANKRD11 (ankyrin repeat domain 11; minus strand). Cytogenetic location: 16q24.3.
Variant type: single nucleotide variant.
Coding change: c.1413G>A on transcript NM_013275.6 (MANE Select); coding-DNA position 1413, G replaced by A.
Protein change: p.Lys471=; no amino-acid change (lysine 471 retained).
Molecular consequence: synonymous variant.
Genome position (GRCh38, 1-based): chr16:89,285,129, C>T on the plus strand (G>A on the coding strand, the complement: ANKRD11 is on the minus strand). VCF-style: chr16-89285129-C-T. GRCh37 (hg19) VCF-style: chr16-89351537-C-T.
Other names: c.1413G>A, p.Lys471= (NM_001256182.2, NM_001256183.2).
Identifiers: ClinVar variation 588903 (VCV000588903.52), dbSNP rs145731868, ClinGen allele CA8242783.